The following is an entry in ClinVar:

NM_004004.6(GJB2):c.56G>T (p.Ser19Ile)

Gene: GJB2 (gap junction protein beta 2; minus strand). Cytogenetic location: 13q12.11.
Variant type: single nucleotide variant.
Coding change: c.56G>T on transcript NM_004004.6 (MANE Select); coding-DNA position 56, G replaced by T.
Protein change: p.Ser19Ile; replaces serine 19 with isoleucine.
Molecular consequence: missense variant.
Genome position (GRCh38, 1-based): chr13:20,189,526, C>A on the plus strand (G>T on the coding strand, the complement: GJB2 is on the minus strand). VCF-style: chr13-20189526-C-A. GRCh37 (hg19) VCF-style: chr13-20763665-C-A.
Other names: short protein forms S19I.
Identifiers: ClinVar variation 1924123 (VCV001924123.5), dbSNP rs80338941, ClinGen allele CA6904327.

ClinVar aggregate classification (germline): Likely pathogenic (1 of 4 stars; one submission).

Allele frequency attached by ClinVar (database versions not stated): gnomAD 0.00001.

Submission:

Labcorp Genetics (formerly Invitae), Labcorp
Classification: Likely pathogenic. Last evaluated: 2023-09-01. Review status: criteria provided, single submitter. Criteria: Invitae Variant Classification Sherloc (09022015). Collection method: clinical testing. Allele origin: germline.
Comment: This variant is present in population databases (rs80338941, gnomAD 0.02%). This sequence change replaces serine, which is neutral and polar, with isoleucine, which is neutral and non-polar, at codon 19 of the GJB2 protein (p.Ser19Ile). This variant has not been reported in the literature in individuals affected with GJB2-related conditions. ClinVar contains an entry for this variant (Variation ID: 1924123). Advanced modeling of protein sequence and biophysical properties (such as structural, functional, and spatial information, amino acid conservation, physicochemical variation, residue mobility, and thermodynamic stability) performed at Invitae indicates that this missense variant is expected to disrupt GJB2 protein function. This variant disrupts the p.Ser19 amino acid residue in GJB2. Other variant(s) that disrupt this residue have been determined to be pathogenic (PMID: 12176036, 16077952, 24158611). This suggests that this residue is clinically significant, and that variants that disrupt this residue are likely to be disease-causing. In summary, the currently available evidence indicates that the variant is pathogenic, but additional data are needed to prove that conclusively. Therefore, this variant has been classified as Likely Pathogenic.

Literature cited by the submitters: PubMed 12176036; PubMed 16077952; PubMed 24158611.